The following is an entry in ClinVar:

NM_006231.4(POLE):c.4679A>G (p.Asp1560Gly)

Gene: POLE (DNA polymerase epsilon, catalytic subunit; minus strand). Cytogenetic location: 12q24.33.
Variant type: single nucleotide variant.
Coding change: c.4679A>G on transcript NM_006231.4 (MANE Select); coding-DNA position 4679, A replaced by G.
Protein change: p.Asp1560Gly; replaces aspartic acid 1560 with glycine.
Molecular consequence: missense variant.
Genome position (GRCh38, 1-based): chr12:132,642,869, T>C on the plus strand (A>G on the coding strand, the complement: POLE is on the minus strand). VCF-style: chr12-132642869-T-C. GRCh37 (hg19) VCF-style: chr12-133219455-T-C.
Other names: c.4679A>G (NM_006231.2); short protein forms D1560G.
Identifiers: ClinVar variation 1482308 (VCV001482308.7), dbSNP rs2138539802, ClinGen allele CA387378834.

ClinVar aggregate classification (germline): Uncertain significance. Review status: criteria provided, multiple submitters, no conflicts (2 of 4 stars). 2 submissions from 2 submitters: Uncertain significance (2). Last evaluated 2026-04-11.

Conditions:
Hereditary cancer-predisposing syndrome. Also called: Tumor predisposition; Neoplastic Syndromes, Hereditary; Hereditary Cancer Syndrome; Hereditary neoplastic syndrome. Identifiers: Orphanet 140162, MedGen C0027672, MeSH D009386, MONDO:0015356.

Submissions (2):

Ambry Genetics
Classification: Uncertain significance for Hereditary cancer-predisposing syndrome. Last evaluated: 2026-04-11. Review status: criteria provided, single submitter. Criteria: Ambry Variant Classification Scheme 2023. Collection method: clinical testing. Allele origin: germline.
Comment: The p.D1560G variant (also known as c.4679A>G), located in coding exon 36 of the POLE gene, results from an A to G substitution at nucleotide position 4679. The aspartic acid at codon 1560 is replaced by glycine, an amino acid with similar properties. This amino acid position is conserved. In addition, the in silico prediction for this alteration is inconclusive. Based on the available evidence, the clinical significance of this variant remains unclear.

Labcorp Genetics (formerly Invitae), Labcorp
Classification: Uncertain significance. Last evaluated: 2025-09-24. Review status: criteria provided, single submitter. Criteria: Invitae Variant Classification Sherloc (09022015). Collection method: clinical testing. Allele origin: germline.
Comment: This sequence change replaces aspartic acid, which is acidic and polar, with glycine, which is neutral and non-polar, at codon 1560 of the POLE protein (p.Asp1560Gly). This variant is not present in population databases (gnomAD no frequency). This variant has not been reported in the literature in individuals affected with POLE-related conditions. ClinVar contains an entry for this variant (Variation ID: 1482308). Invitae Evidence Modeling of protein sequence and biophysical properties (such as structural, functional, and spatial information, amino acid conservation, physicochemical variation, residue mobility, and thermodynamic stability) indicates that this missense variant is not expected to disrupt POLE protein function with a negative predictive value of 80%. In summary, the available evidence is currently insufficient to determine the role of this variant in disease. Therefore, it has been classified as a Variant of Uncertain Significance.